The following is an entry in ClinVar:

ClinVar aggregate classification (germline): Uncertain significance (1 of 4 stars; one submission).

Conditions:
Hereditary cancer-predisposing syndrome. Also called: Tumor predisposition; Hereditary neoplastic syndrome; Neoplastic Syndromes, Hereditary; Hereditary Cancer Syndrome. Identifiers: Orphanet 140162, MedGen C0027672, MeSH D009386, MONDO:0015356.

gnomAD v4.1: 5 of 1,614,164 alleles (0.00031%); highest among the groups gnomAD compares: Non-Finnish European, 0.00042%; no homozygotes.

Submission:

Ambry Genetics
Classification: Uncertain significance for Hereditary cancer-predisposing syndrome. Last evaluated: 2025-03-28. Review status: criteria provided, single submitter. Criteria: Ambry Variant Classification Scheme 2023. Collection method: clinical testing. Allele origin: germline.
Comment: The p.G1054R variant (also known as c.3160G>A), located in coding exon 26 of the EGFR gene, results from a G to A substitution at nucleotide position 3160. The glycine at codon 1054 is replaced by arginine, an amino acid with dissimilar properties. This amino acid position is conserved. In addition, the in silico prediction for this alteration is inconclusive. Based on the available evidence, the clinical significance of this variant remains unclear.

NM_005228.5(EGFR):c.3160G>A (p.Gly1054Arg)

Gene: EGFR (epidermal growth factor receptor; plus strand). Cytogenetic location: 7p11.2.
Variant type: single nucleotide variant.
Coding change: c.3160G>A on transcript NM_005228.5 (MANE Select); coding-DNA position 3160, G replaced by A.
Protein change: p.Gly1054Arg; replaces glycine 1054 with arginine.
Molecular consequence: missense variant.
Genome position (GRCh38, 1-based): chr7:55,201,780, G>A. VCF-style: chr7-55201780-G-A. GRCh37 (hg19) VCF-style: chr7-55269473-G-A.
Other names: c.3025G>A, p.Gly1009Arg (NM_001346897.2, NM_001346899.2); c.3160G>A, p.Gly1054Arg (NM_001346898.2); c.3001G>A, p.Gly1001Arg (NM_001346900.2); c.2359G>A, p.Gly787Arg (NM_001346941.2); short protein forms G1009R, G1054R, G787R, G1001R.
Identifiers: ClinVar variation 4016708 (VCV004016708.1).